The following is an entry in ClinVar:

NM_003998.4(NFKB1):c.295C>T (p.Gln99Ter)

Gene: NFKB1 (nuclear factor kappa B subunit 1; plus strand). Cytogenetic location: 4q24.
Variant type: single nucleotide variant.
Coding change: c.295C>T on transcript NM_003998.4 (MANE Select); coding-DNA position 295, C replaced by T.
Protein change: p.Gln99Ter; replaces glutamine 99 with a stop codon.
Molecular consequence: nonsense.
Genome position (GRCh38, 1-based): chr4:102,567,023, C>T. VCF-style: chr4-102567023-C-T. GRCh37 (hg19) VCF-style: chr4-103488180-C-T.
Other names: c.292C>T, p.Gln98Ter (NM_001165412.2, NM_001319226.2); short protein forms Q99*, Q98*.
Identifiers: ClinVar variation 827729 (VCV000827729.6), dbSNP rs1578771211, ClinGen allele CA357958773.

ClinVar aggregate classification (germline): Pathogenic. Review status: criteria provided, multiple submitters, no conflicts (2 of 4 stars). 2 submissions from 2 submitters: Pathogenic (2). Last evaluated 2021-09-29.

Conditions:
Inherited Immunodeficiency Diseases. Identifiers: MedGen C5197805, MeSH D000081207.

Submissions (2):

Labcorp Genetics (formerly Invitae), Labcorp
Classification: Pathogenic. Last evaluated: 2021-09-29. Review status: criteria provided, single submitter. Criteria: Invitae Variant Classification Sherloc (09022015). Collection method: clinical testing. Allele origin: germline.
Comment: This sequence change creates a premature translational stop signal (p.Gln99*) in the NFKB1 gene. It is expected to result in an absent or disrupted protein product. Loss-of-function variants in NFKB1 are known to be pathogenic (PMID: 26279205, 29477724). For these reasons, this variant has been classified as Pathogenic. ClinVar contains an entry for this variant (Variation ID: 827729). This premature translational stop signal has been observed in individual(s) with common variable immunodeficiency (PMID: 29403474, 29477724). This variant is not present in population databases (ExAC no frequency).

NIHR Bioresource Rare Diseases, University of Cambridge
Classification: Pathogenic for Inherited Immunodeficiency Diseases. Last evaluated: 2019-01-01. Review status: criteria provided, single submitter. Criteria: ACMG Guidelines, 2015. Collection method: research. Allele origin: germline. Affected: yes. Observed: 1 heterozygote.

Literature cited by the submitters: PubMed 26279205 (cited by Labcorp Genetics (formerly Invitae), Labcorp); PubMed 29477724 (cited by Labcorp Genetics (formerly Invitae), Labcorp); PubMed 29403474 (cited by Labcorp Genetics (formerly Invitae), Labcorp).